The following is an entry in ClinVar:

ClinVar aggregate classification (germline): Uncertain significance (1 of 4 stars; one submission).

Conditions:
Familial hypobetalipoproteinemia 1. Also called: Hypobetalipoproteinemia, normotriglyceridemic; Acanthocytosis with hypobetalipoproteinemia; APOB-Related Familial Hypobetalipoproteinemia. Identifiers: MedGen C4551990, MONDO:0014252, OMIM 615558.
Hypercholesterolemia, autosomal dominant, type B (FHCL2). Also called: Familial Hypercholesterolemia Type B; APOLIPOPROTEIN B-100, FAMILIAL DEFECTIVE; APOLIPOPROTEIN B-100, FAMILIAL LIGAND-DEFECTIVE; HYPERCHOLESTEROLEMIA, FAMILIAL, DUE TO LIGAND-DEFECTIVE APOLIPOPROTEIN B; APOB-Related Familial Hypercholesterolemia, Autosomal Dominant; Hyperlipoproteinemia Type IIb. Identifiers: MedGen C1704417, MONDO:0007751, OMIM 144010.

gnomAD v4.1: 2 of 1,613,932 alleles (0.00012%); highest among the groups gnomAD compares: Middle Eastern, 0.017%; no homozygotes.

Submission:

Labcorp Genetics (formerly Invitae), Labcorp
Classification: Uncertain significance for Familial hypobetalipoproteinemia 1; Hypercholesterolemia, autosomal dominant, type B. Last evaluated: 2025-09-29. Review status: criteria provided, single submitter. Criteria: Invitae Variant Classification Sherloc (09022015). Collection method: clinical testing. Allele origin: germline.
Comment: This sequence change replaces aspartic acid, which is acidic and polar, with glutamic acid, which is acidic and polar, at codon 4049 of the APOB protein (p.Asp4049Glu). This variant is not present in population databases (gnomAD no frequency). This variant has not been reported in the literature in individuals affected with APOB-related conditions. Invitae Evidence Modeling of protein sequence and biophysical properties (such as structural, functional, and spatial information, amino acid conservation, physicochemical variation, residue mobility, and thermodynamic stability) indicates that this missense variant is not expected to disrupt APOB protein function with a negative predictive value of 95%. In summary, the available evidence is currently insufficient to determine the role of this variant in disease. Therefore, it has been classified as a Variant of Uncertain Significance.

NM_000384.3(APOB):c.12147T>A (p.Asp4049Glu)

Gene: APOB (apolipoprotein B; minus strand). Cytogenetic location: 2p24.1.
Variant type: single nucleotide variant.
Coding change: c.12147T>A on transcript NM_000384.3 (MANE Select); coding-DNA position 12147, T replaced by A.
Protein change: p.Asp4049Glu; replaces aspartic acid 4049 with glutamic acid.
Molecular consequence: missense variant.
Genome position (GRCh38, 1-based): chr2:21,003,275, A>T on the plus strand (T>A on the coding strand, the complement: APOB is on the minus strand). VCF-style: chr2-21003275-A-T. GRCh37 (hg19) VCF-style: chr2-21226147-A-T.
Other names: short protein forms D4049E.
Identifiers: ClinVar variation 4794840 (VCV004794840.1).
Genomic context (GRCh38, chr2:21,003,275, plus strand): 5'-AGAGGTTAGCAAGCCAGAAGCTGCCTCTTCTTCCCAATTAACTTTGATCTGAGTTTCCTC[A>T]TCAGATTCCCGGACCCTCAACTCAGTTTTGAATATGGTGAGTTTTTTATCTGGAGAGGAC-3'
Protein context (NP_000375.3, residues 4039-4059): FKTELRVRES[Asp4049Glu]EETQIKVNWE